The following is an entry in ClinVar:

ClinVar aggregate classification (germline): Uncertain significance (1 of 4 stars; one submission).

gnomAD v4.1: 5 of 1,613,042 alleles (0.00031%); highest among the groups gnomAD compares: Admixed American, 0.0083%; no homozygotes.

Submission:

Ambry Genetics
Classification: Uncertain significance. Last evaluated: 2024-10-17. Review status: criteria provided, single submitter. Criteria: Ambry Variant Classification Scheme 2023. Collection method: clinical testing. Allele origin: germline.
Comment: The p.K2101N variant (also known as c.6303G>C), located in coding exon 12 of the ALPK2 gene, results from a G to C substitution at nucleotide position 6303. The lysine at codon 2101 is replaced by asparagine, an amino acid with similar properties. This amino acid position is conserved. In addition, this alteration is predicted to be tolerated by in silico analysis. Since supporting evidence is limited at this time, the clinical significance of this alteration remains unclear.

NM_052947.4(ALPK2):c.6303G>C (p.Lys2101Asn)

Gene: ALPK2 (alpha kinase 2; minus strand). Cytogenetic location: 18q21.31.
Variant type: single nucleotide variant.
Coding change: c.6303G>C on transcript NM_052947.4 (MANE Select); coding-DNA position 6303, G replaced by C.
Protein change: p.Lys2101Asn; replaces lysine 2101 with asparagine.
Molecular consequence: missense variant.
Genome position (GRCh38, 1-based): chr18:58,482,033, C>G on the plus strand (G>C on the coding strand, the complement: ALPK2 is on the minus strand). VCF-style: chr18-58482033-C-G. GRCh37 (hg19) VCF-style: chr18-56149265-C-G.
Other names: short protein forms K2101N.
Identifiers: ClinVar variation 1752742 (VCV001752742.3), dbSNP rs200719522, ClinGen allele CA8976182.